The following is an entry in ClinVar:

NM_001378778.1(MPDZ):c.5111T>G (p.Val1704Gly)

Gene: MPDZ (multiple PDZ domain crumbs cell polarity complex component; minus strand). Cytogenetic location: 9p23.
Variant type: single nucleotide variant.
Coding change: c.5111T>G on transcript NM_001378778.1 (MANE Select); coding-DNA position 5111, T replaced by G.
Protein change: p.Val1704Gly; replaces valine 1704 with glycine.
Molecular consequence: missense variant.
Genome position (GRCh38, 1-based): chr9:13,121,859, A>C on the plus strand (T>G on the coding strand, the complement: MPDZ is on the minus strand). VCF-style: chr9-13121859-A-C. GRCh37 (hg19) VCF-style: chr9-13121858-A-C.
Other names: c.5012T>G, p.Val1671Gly (NM_001261406.2, NM_001261407.2, NM_001375416.1 and 3 more transcripts); c.5111T>G, p.Val1704Gly (NM_001330637.2, NM_003829.5); c.5210T>G, p.Val1737Gly (NM_001375413.1); c.4901T>G, p.Val1634Gly (NM_001375420.1, NM_001375421.1, NM_001375422.1 and 4 more transcripts); c.4703T>G, p.Val1568Gly (NM_001375427.1); short protein forms V1704G, V1671G, V1634G, V1737G, V1568G.
Identifiers: ClinVar variation 1446690 (VCV001446690.8), dbSNP rs2131610448, ClinGen allele CA372944347.

ClinVar aggregate classification (germline): Uncertain significance (1 of 4 stars; one submission).

Submission:

Labcorp Genetics (formerly Invitae), Labcorp
Classification: Uncertain significance. Last evaluated: 2021-07-14. Review status: criteria provided, single submitter. Criteria: Invitae Variant Classification Sherloc (09022015). Collection method: clinical testing. Allele origin: germline.
Comment: Algorithms developed to predict the effect of missense changes on protein structure and function (SIFT, PolyPhen-2, Align-GVGD) all suggest that this variant is likely to be disruptive. In summary, the available evidence is currently insufficient to determine the role of this variant in disease. Therefore, it has been classified as a Variant of Uncertain Significance. This variant has not been reported in the literature in individuals affected with MPDZ-related conditions. This sequence change replaces valine with glycine at codon 1704 of the MPDZ protein (p.Val1704Gly). The valine residue is highly conserved and there is a moderate physicochemical difference between valine and glycine. This variant is not present in population databases (ExAC no frequency).